The following continues an entry in ClinVar:

NM_000277.3(PAH):c.1169A>G (p.Glu390Gly)

Gene: PAH. ClinVar aggregate classification (germline): Pathogenic. Pathogenic (1).

Submissions 11 to 25 of 25:

GeneDx
Classification: Pathogenic. Last evaluated: 2023-10-10. Review status: criteria provided, single submitter. Criteria: GeneDx Variant Classification Process June 2021. Collection method: clinical testing. Allele origin: germline. Affected: yes. Not counted in ClinVar's aggregate classification.
Comment: In silico analysis supports that this missense variant has a deleterious effect on protein structure/function; Classified as being a tetrahydrobiopterin (BH4) responsive variant (PMID: 17935162, 23559577); This variant is associated with the following publications: (PMID: 10472529, 25750018, 23500595, 34828281, 31355225, 26666653, 30963030, 21147011, 22763404, 25087612, 8088845, 11914042, 25596310, 8098245, 28676969, 24048906, 22300847, 15557004, 26803807, 10479481, 31589614, 34426522, 33375644, 32778825, 33465300, 29288420, 23792259, 23559577, 35355500, 36537053, 35328070, 35339094, 35405047, 17935162)

Institute of Human Genetics, University of Leipzig Medical Center
Classification: Pathogenic for Phenylketonuria. Last evaluated: 2023-07-26. Review status: criteria provided, single submitter. Criteria: ACMG Guidelines, 2015. Collection method: clinical testing. Allele origin: unknown. Inheritance: Autosomal recessive inheritance. Affected: yes. Not counted in ClinVar's aggregate classification.
Comment: Criteria applied: PM3_VSTR,PP4_MOD,PM2_SUP,PP3

Molecular Genetics, Royal Melbourne Hospital
Classification: Pathogenic for Mild hyperphenylalaninemia. Last evaluated: 2023-04-11. Review status: criteria provided, single submitter. Criteria: ACMG Guidelines, 2015. Collection method: clinical testing. Allele origin: germline. Affected: no. Not counted in ClinVar's aggregate classification.
Comment: This sequence change in PAH is predicted to replace glutamic acid with glycine at codon 390, p.(Glu390Gly). The glutamic acid residue is highly conserved (100 vertebrates, UCSC), and is located in BH4 AAA hydroxyl domain. There is a moderate physicochemical difference between glutamic acid and glycine. The highest population minor allele frequency in the population database gnomAD v2.1 is 0.016% (21/129,082 alleles) in the European (non-Finnish) population, which is consistent with phenylalanine hydroxylase deficiency. This variant has been detected in multiple individuals with mild hyperphenylalaninaemia (MHP) in the homozygous state and compound heterozygous with a second pathogenic allele. It is one of the most common variants associated with the MHP phenotype (PMID: 31623983, 32668217). Computational evidence predicts a deleterious effect for the missense substitution (REVEL = 0.973). Based on the classification scheme RMH Modified ACMG/AMP Guidelines v1.6.1, this variant is classified as PATHOGENIC. Following criteria are met: PM3_VeryStrong, PP3_Moderate, PM2_Supporting.

Department of Pathology and Laboratory Medicine, Sinai Health System
Classification: Pathogenic for Phenylketonuria. Last evaluated: 2023-01-04. Review status: criteria provided, single submitter. Criteria: ACMG Guidelines, 2015. Collection method: research. Allele origin: germline. Not counted in ClinVar's aggregate classification.

Fulgent Genetics
Classification: Pathogenic for Phenylketonuria. Last evaluated: 2022-04-20. Review status: criteria provided, single submitter. Criteria: ACMG Guidelines, 2015. Collection method: clinical testing. Allele origin: unknown. Not counted in ClinVar's aggregate classification.

Revvity Omics, Revvity
Classification: Pathogenic for Phenylketonuria. Last evaluated: 2020-11-20. Review status: criteria provided, single submitter. Criteria: ACMG Guidelines, 2015. Collection method: clinical testing. Allele origin: germline. Not counted in ClinVar's aggregate classification.

Centre for Mendelian Genomics, University Medical Centre Ljubljana
Classification: Pathogenic for Phenylketonuria. Last evaluated: 2019-08-16. Review status: criteria provided, single submitter. Criteria: ACMG Guidelines, 2015. Collection method: clinical testing. Allele origin: unknown. Affected: yes. Not counted in ClinVar's aggregate classification.
Comment: This variant was classified as: Pathogenic. The following ACMG criteria were applied in classifying this variant: PS1,PM2,PM3_VS,PP3,PP4_M.

Illumina Laboratory Services, Illumina
Classification: Pathogenic for Phenylketonuria. Last evaluated: 2018-08-14. Review status: criteria provided, single submitter. Criteria: ICSL Variant Classification Criteria 09 May 2019. Collection method: clinical testing. Allele origin: germline. Not counted in ClinVar's aggregate classification.
Comment: Across a selection of the available literature, the PAH c.1169A>G (p.Glu390Gly) missense variant has been identified in a compound heterozygous state in three individuals with phenylalanine hydroxylase deficiency and in one child with non-PKU hyperphenylalaninemia identified by newborn screening and in three individuals with mild hyperhpenylalaninemila. The variant was also identified in 23/630 alleles of individuals with BH4-responsive mild hyperhpenylalaninemila (Guldberg et al. 1994; ZurflÃ¼h et al. 2008; Couce et al. 2013; Trunzo et al. 2013). The p.Glu390Gly variant was absent from 110 controls and is reported at a frequency of 0.00018 in the European (non-Finnish) population of the Genome Aggregation Database. Averaged across different cell systems, the p.Glu390Gly variant showed 72.7% residual enzyme activity (ZurflÃ¼h et al. 2008), while expression in COS-7 cells revealed that the p.[Glu390Gly];[Arg408Trp] genotype, a recurrent genotype in European and Middle Eastern populations, showed 8.3% residual activity compared to wild type (Danecka et al. 2015). Based on the collective evidence, the p.Glu390Gly variant is classified as pathogenic for phenylalanine hydroxylase deficiency. This variant was observed by ICSL as part of a predisposition screen in an ostensibly healthy population.

Women's Health and Genetics/Laboratory Corporation of America, LabCorp
Classification: Pathogenic for Hyperphenylalaninemia. Last evaluated: 2017-01-03. Review status: criteria provided, single submitter. Criteria: LabCorp Variant Classification Summary - May 2015. Collection method: clinical testing. Allele origin: germline. Not counted in ClinVar's aggregate classification.
Comment: Variant summary: The PAH c.1169A>G (p.Glu390Gly) variant involves the alteration of a conserved nucleotide, present in catalytic domain of the protein (Couce_2013) and is predicted to be damaging by 5/5 in silico tools. This variant was found in 12/121202 control chromosomes at a frequency of 0.000099, which does not exceed the estimated maximal expected allele frequency of a pathogenic PAH variant (0.0079057). This variant is widely described as one of the frequent pathogenic variants that causes hyperphenylalaninemia with consistent genotype-phenotype data and functional studies. Eight homozygotes with this variant were responsive to BH4 (Dobrowolski_2011) which can be attributed to mild functional effect of this variant. Multiple clinical diagnostic laboratories/reputable databases have classified this variant as pathogenic. Taken together, this variant is classified as Pathogenic.

Eurofins Ntd Llc (ga)
Classification: Pathogenic. Last evaluated: 2013-09-27. Review status: criteria provided, single submitter. Criteria: EGL Classification Definitions 2015. Collection method: clinical testing. Allele origin: germline. Observed: 6 variant alleles, 5 heterozygotes, 1 homozygote. Not counted in ClinVar's aggregate classification.

Kariminejad - Najmabadi Pathology & Genetics Center
Classification: Pathogenic for Phenylketonuria. Review status: criteria provided, single submitter. Criteria: ACMG Guidelines, 2015. Collection method: clinical testing. Allele origin: germline. Affected: no. Not counted in ClinVar's aggregate classification.

Counsyl
Classification: Likely pathogenic for Phenylketonuria. Last evaluated: 2016-01-22. Review status: no assertion criteria provided. Collection method: clinical testing. Allele origin: unknown. Not counted in ClinVar's aggregate classification.

OMIM
Classification: Pathogenic for HYPERPHENYLALANINEMIA, NON-PKU. Last evaluated: 1999-08-01. Review status: no assertion criteria provided. Collection method: literature only. Allele origin: germline. Not counted in ClinVar's aggregate classification.

OMIM
Classification: Pathogenic for PHENYLKETONURIA. Last evaluated: 1999-08-01. Review status: no assertion criteria provided. Collection method: literature only. Allele origin: germline. Not counted in ClinVar's aggregate classification.

DeBelle Laboratory for Biochemical Genetics, MUHC/MCH RESEARCH INSTITUTE
No classification provided. Review status: no classification provided. Collection method: not provided. Allele origin: not provided. Not counted in ClinVar's aggregate classification.

Literature cited by the submitters: PubMed 8088845 (cited by 4 submitters); PubMed 21147011 (cited by 4 submitters); PubMed 10479481 (cited by 5 submitters); PubMed 26666653 (cited by Natera, Inc. and Women's Health and Genetics/Laboratory Corporation of America, LabCorp); PubMed 10472529 (cited by 3 submitters); PubMed 12655552 (cited by Labcorp Genetics (formerly Invitae), Labcorp); PubMed 17935162 (cited by 4 submitters); PubMed 21871829 (cited by Labcorp Genetics (formerly Invitae), Labcorp); PubMed 25596310 (cited by 4 submitters); PubMed 26803807 (cited by Labcorp Genetics (formerly Invitae), Labcorp and Quest Diagnostics Nichols Institute San Juan Capistrano); PubMed 22300847 (cited by Labcorp Genetics (formerly Invitae), Labcorp and Quest Diagnostics Nichols Institute San Juan Capistrano); PubMed 11161839 (cited by Quest Diagnostics Nichols Institute San Juan Capistrano); PubMed 24628256 (cited by Quest Diagnostics Nichols Institute San Juan Capistrano); PubMed 22698810 (cited by Quest Diagnostics Nichols Institute San Juan Capistrano); PubMed 19394257 (cited by Quest Diagnostics Nichols Institute San Juan Capistrano and Counsyl); PubMed 33465300 (cited by Quest Diagnostics Nichols Institute San Juan Capistrano); PubMed 34828281 (cited by Quest Diagnostics Nichols Institute San Juan Capistrano and Mayo Clinic Laboratories, Mayo Clinic); PubMed 38731816 (cited by Quest Diagnostics Nichols Institute San Juan Capistrano); PubMed 32668217 (cited by Quest Diagnostics Nichols Institute San Juan Capistrano and Molecular Genetics, Royal Melbourne Hospital); PubMed 31623983 (cited by Quest Diagnostics Nichols Institute San Juan Capistrano and Molecular Genetics, Royal Melbourne Hospital); PubMed 22763404 (cited by Mayo Clinic Laboratories, Mayo Clinic and Counsyl); PubMed 23559577 (cited by Mayo Clinic Laboratories, Mayo Clinic); PubMed 36537053 (cited by Mayo Clinic Laboratories, Mayo Clinic); PubMed 23792259 (cited by Illumina Laboratory Services, Illumina and Counsyl); PubMed 23500595 (cited by 3 submitters); PubMed 19292873 (cited by Women's Health and Genetics/Laboratory Corporation of America, LabCorp); PubMed 24048906 (cited by Counsyl); PubMed 11180595 (cited by Counsyl); PubMed 12409276 (cited by Counsyl); PubMed 15557004 (cited by Counsyl); PubMed 8268925 (cited by Counsyl); PubMed 22513348 (cited by Counsyl); PubMed 8889590 (cited by Counsyl); PubMed 12501224 (cited by Counsyl); PubMed 8098245 (cited by OMIM).